The following is an entry in ClinVar:

NM_003383.5(VLDLR):c.2251+265A>C

Gene: VLDLR (very low density lipoprotein receptor; plus strand). Cytogenetic location: 9p24.2.
Variant type: single nucleotide variant.
Coding change: c.2251+265A>C on transcript NM_003383.5 (MANE Select); 265 bases into the intron after coding-DNA position 2251, A replaced by C.
Molecular consequence: intron variant.
Genome position (GRCh38, 1-based): chr9:2,650,781, A>C. VCF-style: chr9-2650781-A-C. GRCh37 (hg19) VCF-style: chr9-2650781-A-C.
Other names: c.2251+265A>C (NM_001018056.3); c.2128+265A>C (NM_001322225.2, NM_001322226.2).
Identifiers: ClinVar variation 672683 (VCV000672683.1), dbSNP rs35774247, ClinGen allele CA187959844.

ClinVar aggregate classification (germline): Benign (1 of 4 stars; one submission).

Allele frequency attached by ClinVar (database versions not stated): 1000 Genomes Project 0.04832; 1000 Genomes Project 30x 0.05122; gnomAD 0.05558 and 0.05826; TOPMed 0.06028.
gnomAD v4.1: 8,430 of 152,258 alleles (5.5%); highest among the groups gnomAD compares: African/African-American, 11%; 315 homozygotes.

Submission:

GeneDx
Classification: Benign. Last evaluated: 2018-06-14. Review status: criteria provided, single submitter. Criteria: GeneDx Variant Classification (06012015). Collection method: clinical testing. Allele origin: germline. Affected: yes.
Comment: This variant is considered likely benign or benign based on one or more of the following criteria: it is a conservative change, it occurs at a poorly conserved position in the protein, it is predicted to be benign by multiple in silico algorithms, and/or has population frequency not consistent with disease.